The following is an entry in ClinVar:

ClinVar aggregate classification (germline): Uncertain significance. Review status: criteria provided, multiple submitters, no conflicts (2 of 4 stars). 2 submissions from 2 submitters: Uncertain significance (2). Last evaluated 2025-08-27.

Conditions:
Inborn genetic diseases. Identifiers: MedGen C0950123, MeSH D030342.

Allele frequency attached by ClinVar (database versions not stated): gnomAD exomes below 0.00001.

Submissions (2):

Ambry Genetics
Classification: Uncertain significance for Inborn genetic diseases. Last evaluated: 2025-08-27. Review status: criteria provided, single submitter. Criteria: Ambry Variant Classification Scheme 2023. Collection method: clinical testing. Allele origin: germline.

Labcorp Genetics (formerly Invitae), Labcorp
Classification: Uncertain significance. Last evaluated: 2025-07-13. Review status: criteria provided, single submitter. Criteria: Invitae Variant Classification Sherloc (09022015). Collection method: clinical testing. Allele origin: germline.
Comment: This sequence change replaces lysine, which is basic and polar, with glutamic acid, which is acidic and polar, at codon 1005 of the CFH protein (p.Lys1005Glu). This variant is not present in population databases (gnomAD no frequency). This variant has not been reported in the literature in individuals affected with CFH-related conditions. ClinVar contains an entry for this variant (Variation ID: 1388207). An algorithm developed to predict the effect of missense changes on protein structure and function (PolyPhen-2) suggests that this variant is likely to be disruptive. In summary, the available evidence is currently insufficient to determine the role of this variant in disease. Therefore, it has been classified as a Variant of Uncertain Significance.

NM_000186.4(CFH):c.3013A>G (p.Lys1005Glu)

Gene: CFH (complement factor H; plus strand). Cytogenetic location: 1q31.3.
Variant type: single nucleotide variant.
Coding change: c.3013A>G on transcript NM_000186.4 (MANE Select); coding-DNA position 3013, A replaced by G.
Protein change: p.Lys1005Glu; replaces lysine 1005 with glutamic acid.
Molecular consequence: missense variant.
Genome position (GRCh38, 1-based): chr1:196,741,931, A>G. VCF-style: chr1-196741931-A-G. GRCh37 (hg19) VCF-style: chr1-196711061-A-G.
Other names: c.3013A>G (NM_000186.3); short protein forms K1005E.
Identifiers: ClinVar variation 1388207 (VCV001388207.9), dbSNP rs1652820459, ClinGen allele CA343981450.